The following is an entry in ClinVar:

NM_001378457.1(DMXL2):c.4252C>T (p.Arg1418Ter)

Gene: DMXL2 (Dmx like 2; minus strand). Cytogenetic location: 15q21.2.
Variant type: single nucleotide variant.
Coding change: c.4252C>T on transcript NM_001378457.1 (MANE Select); coding-DNA position 4252, C replaced by T.
Protein change: p.Arg1418Ter; replaces arginine 1418 with a stop codon.
Molecular consequence: nonsense. On other transcripts: non-coding transcript variant (2), intron variant (2).
Genome position (GRCh38, 1-based): chr15:51,498,972, G>A on the plus strand (C>T on the coding strand, the complement: DMXL2 is on the minus strand). VCF-style: chr15-51498972-G-A. GRCh37 (hg19) VCF-style: chr15-51791169-G-A.
Other names: c.4252C>T, p.Arg1418Ter (NM_001174116.3, NM_001378458.1, NM_001378459.1 and 4 more transcripts); c.4012C>T, p.Arg1338Ter (NM_001378464.1); c.2765-7225C>T (NM_001378460.1); c.2765-3838C>T (NM_001174117.3); short protein forms R1418*, R1338*.
Identifiers: ClinVar variation 2106016 (VCV002106016.4), dbSNP rs777271861, ClinGen allele CA392432324.

ClinVar aggregate classification (germline): Pathogenic (1 of 4 stars; one submission).

Submission:

Labcorp Genetics (formerly Invitae), Labcorp
Classification: Pathogenic. Last evaluated: 2022-05-19. Review status: criteria provided, single submitter. Criteria: Invitae Variant Classification Sherloc (09022015). Collection method: clinical testing. Allele origin: germline.
Comment: This variant is not present in population databases (gnomAD no frequency). For these reasons, this variant has been classified as Pathogenic. This variant has not been reported in the literature in individuals affected with DMXL2-related conditions. This sequence change creates a premature translational stop signal (p.Arg1418*) in the DMXL2 gene. It is expected to result in an absent or disrupted protein product. Loss-of-function variants in DMXL2 are known to be pathogenic (PMID: 30237576, 31688942).

Literature cited by the submitters: PubMed 30237576; PubMed 31688942.